The following is an entry in ClinVar:

ClinVar aggregate classification (germline): Uncertain significance. Review status: criteria provided, multiple submitters, no conflicts (2 of 4 stars). 2 submissions from 2 submitters: Uncertain significance (2). Last evaluated 2025-03-12.

Conditions:
Inborn genetic diseases. Identifiers: MedGen C0950123, MeSH D030342.
DDX41-related hematologic malignancy predisposition syndrome. Also called: Myeloproliferative/lymphoproliferative neoplasms, familial (multiple types), susceptibility to; DDX41-Associated Familial Myelodysplastic Syndrome and Acute Myeloid Leukemia. Identifiers: Orphanet 488647, MedGen C4225174, MONDO:0014809, OMIM 616871.

Allele frequency attached by ClinVar (database versions not stated): gnomAD 0.00001; gnomAD exomes 0.00001; TOPMed 0.00001; ExAC 0.00002.
gnomAD v4.1: 8 of 1,613,790 alleles (0.0005%); highest among the groups gnomAD compares: Admixed American, 0.0033%; no homozygotes.

Submissions (2):

Ambry Genetics
Classification: Uncertain significance for Inborn genetic diseases. Last evaluated: 2025-03-12. Review status: criteria provided, single submitter. Criteria: Ambry Variant Classification Scheme 2023. Collection method: clinical testing. Allele origin: germline.
Comment: The p.M241T variant (also known as c.722T>C), located in coding exon 8 of the DDX41 gene, results from a T to C substitution at nucleotide position 722. The methionine at codon 241 is replaced by threonine, an amino acid with similar properties. This variant was reported in individuals with features consistent with DDX41-related hematologic malignancy predisposition syndrome (Maierhofer A et al. Blood Adv, 2023 Dec;7:7346-7357). This amino acid position is highly conserved in available vertebrate species. In addition, the in silico prediction for this alteration is inconclusive. Based on the available evidence, the clinical significance of this variant remains unclear.

Baylor Genetics
Classification: Uncertain significance for DDX41-related hematologic malignancy predisposition syndrome. Last evaluated: 2023-07-04. Review status: criteria provided, single submitter. Criteria: ACMG Guidelines, 2015. Collection method: clinical testing. Allele origin: unknown.

Literature cited by the submitters: PubMed 37874914 (cited by Ambry Genetics).

NM_016222.4(DDX41):c.722T>C (p.Met241Thr)

Gene: DDX41 (DEAD-box helicase 41; minus strand). Cytogenetic location: 5q35.3.
Variant type: single nucleotide variant.
Coding change: c.722T>C on transcript NM_016222.4 (MANE Select); coding-DNA position 722, T replaced by C.
Protein change: p.Met241Thr; replaces methionine 241 with threonine.
Molecular consequence: missense variant.
Genome position (GRCh38, 1-based): chr5:177,514,992, A>G on the plus strand (T>C on the coding strand, the complement: DDX41 is on the minus strand). VCF-style: chr5-177514992-A-G. GRCh37 (hg19) VCF-style: chr5-176941993-A-G.
Other names: c.344T>C, p.Met115Thr (NM_001321732.2, NM_001321830.2); c.722T>C (NM_016222.2); short protein forms M115T, M241T.
Identifiers: ClinVar variation 2674783 (VCV002674783.2), dbSNP rs778216275, ClinGen allele CA3585043.